The following is an entry in ClinVar:

NM_006506.5(RASA2):c.1996A>G (p.Ser666Gly)

Gene: RASA2 (RAS p21 protein activator 2; plus strand). Cytogenetic location: 3q23.
Variant type: single nucleotide variant.
Coding change: c.1996A>G on transcript NM_006506.5 (MANE Select); coding-DNA position 1996, A replaced by G.
Protein change: p.Ser666Gly; replaces serine 666 with glycine.
Molecular consequence: missense variant.
Genome position (GRCh38, 1-based): chr3:141,607,740, A>G. VCF-style: chr3-141607740-A-G. GRCh37 (hg19) VCF-style: chr3-141326582-A-G.
Other names: c.1999A>G, p.Ser667Gly (NM_001303245.3); c.2008A>G, p.Ser670Gly (NM_001303246.3); short protein forms S666G, S667G, S670G.
Identifiers: ClinVar variation 4741367 (VCV004741367.1).
Genomic context (GRCh38, chr3:141,607,740, plus strand): 5'-AAAGATGCAATCTACACAATCCCAGTAAAAAACATTCTTGCTGTGGAAAAACTGGAAGAG[A>G]GCTCTTTCAACAAGAAAAATGTAAGTTATGTAAATAAATATTTAAAGCTTTCTGAACTGC-3'
Protein context (NP_006497.2, residues 656-676): NILAVEKLEE[Ser666Gly]SFNKKNMFQV

ClinVar aggregate classification (germline): Uncertain significance (1 of 4 stars; one submission).

Submission:

Labcorp Genetics (formerly Invitae), Labcorp
Classification: Uncertain significance. Last evaluated: 2025-08-24. Review status: criteria provided, single submitter. Criteria: Invitae Variant Classification Sherloc (09022015). Collection method: clinical testing. Allele origin: germline.
Comment: This sequence change replaces serine, which is neutral and polar, with glycine, which is neutral and non-polar, at codon 666 of the RASA2 protein (p.Ser666Gly). This variant is not present in population databases (gnomAD no frequency). This variant has not been reported in the literature in individuals affected with RASA2-related conditions. Invitae Evidence Modeling of protein sequence and biophysical properties (such as structural, functional, and spatial information, amino acid conservation, physicochemical variation, residue mobility, and thermodynamic stability) indicates that this missense variant is not expected to disrupt RASA2 protein function with a negative predictive value of 80%. In summary, the available evidence is currently insufficient to determine the role of this variant in disease. Therefore, it has been classified as a Variant of Uncertain Significance.